The following is an entry in ClinVar:

NM_000465.4(BARD1):c.1804A>G (p.Ser602Gly)

Gene: BARD1 (BRCA1 associated RING domain 1; minus strand). Cytogenetic location: 2q35.
Variant type: single nucleotide variant.
Coding change: c.1804A>G on transcript NM_000465.4 (MANE Select); coding-DNA position 1804, A replaced by G.
Protein change: p.Ser602Gly; replaces serine 602 with glycine.
Molecular consequence: missense variant. On other transcripts: non-coding transcript variant (3), intron variant (1).
Genome position (GRCh38, 1-based): chr2:214,745,728, T>C on the plus strand (A>G on the coding strand, the complement: BARD1 is on the minus strand). VCF-style: chr2-214745728-T-C. GRCh37 (hg19) VCF-style: chr2-215610452-T-C.
Other names: c.1747A>G, p.Ser583Gly (NM_001282543.2); c.365-15220A>G (NM_001282549.2); c.451A>G, p.Ser151Gly (NM_001282545.2); c.394A>G, p.Ser132Gly (NM_001282548.2); short protein forms S583G, S132G, S151G, S602G.
Identifiers: ClinVar variation 1780450 (VCV001780450.3), dbSNP rs1437928909, ClinGen allele CA350452513.

ClinVar aggregate classification (germline): Uncertain significance (1 of 4 stars; one submission).

Conditions:
Hereditary cancer-predisposing syndrome. Also called: Neoplastic Syndromes, Hereditary; Tumor predisposition; Hereditary Cancer Syndrome; Hereditary neoplastic syndrome. Identifiers: Orphanet 140162, MedGen C0027672, MeSH D009386, MONDO:0015356.

gnomAD v4.1: 4 of 1,614,102 alleles (0.00025%); highest among the groups gnomAD compares: Non-Finnish European, 0.00034%; no homozygotes.

Submission:

Ambry Genetics
Classification: Uncertain significance for Hereditary cancer-predisposing syndrome. Last evaluated: 2024-05-02. Review status: criteria provided, single submitter. Criteria: Ambry Variant Classification Scheme 2023. Collection method: clinical testing. Allele origin: germline.
Comment: The p.S602G variant (also known as c.1804A>G), located in coding exon 8 of the BARD1 gene, results from an A to G substitution at nucleotide position 1804. The serine at codon 602 is replaced by glycine, an amino acid with similar properties. This amino acid position is not well conserved in available vertebrate species. In addition, this alteration is predicted to be tolerated by in silico analysis. Since supporting evidence is limited at this time, the clinical significance of this alteration remains unclear.